The following is an entry in ClinVar:

ClinVar aggregate classification (germline): Likely benign. Review status: criteria provided, multiple submitters, no conflicts (2 of 4 stars). 5 submissions from 5 submitters: Likely benign (5). Last evaluated 2026-01-26.

Conditions:
MYO7A-related disorder. Also called: MYO7A-related disorders.
Inborn genetic diseases. Identifiers: MedGen C0950123, MeSH D030342.

Allele frequency attached by ClinVar (database versions not stated): ExAC 0.00005; gnomAD exomes 0.00005; gnomAD 0.00006 and 0.00009; TOPMed 0.00006; 1000 Genomes Project 30x 0.00016; 1000 Genomes Project 0.00020.
gnomAD v4.1: 99 of 1,610,654 alleles (0.0061%); highest among the groups gnomAD compares: Middle Eastern, 0.033%; 2 homozygotes.

Submissions (5):

Labcorp Genetics (formerly Invitae), Labcorp
Classification: Likely benign. Last evaluated: 2026-01-26. Review status: criteria provided, single submitter. Criteria: Invitae Variant Classification Sherloc (09022015). Collection method: clinical testing. Allele origin: germline.

PreventionGenetics, part of Exact Sciences
Classification: Likely benign for MYO7A-related condition. Last evaluated: 2025-01-31. Review status: criteria provided, single submitter. Criteria: ACMG Guidelines, 2015. Collection method: clinical testing. Allele origin: germline.
Comment: This variant is classified as likely benign based on ACMG/AMP sequence variant interpretation guidelines (Richards et al. 2015 PMID: 25741868, with internal and published modifications).

Ambry Genetics
Classification: Likely benign for Inborn genetic diseases. Last evaluated: 2025-01-15. Review status: criteria provided, single submitter. Criteria: Ambry Variant Classification Scheme 2023. Collection method: clinical testing. Allele origin: germline.

Blueprint Genetics
Classification: Likely benign. Last evaluated: 2024-03-18. Review status: criteria provided, single submitter. Criteria: ACMG Guidelines, 2015. Collection method: clinical testing. Allele origin: germline.

Laboratory for Molecular Medicine, Mass General Brigham Personalized Medicine
Classification: Likely benign. Last evaluated: 2015-05-14. Review status: criteria provided, single submitter. Criteria: LMM Criteria. Collection method: clinical testing. Allele origin: germline. Observed: 1 variant allele.
Comment: p.Pro1418Pro in exon 32 of MYO7A: This variant is not expected to have clinical significance because it does not alter an amino acid residue and is not located within the splice consensus sequence. This variant has been identified in 4/4901 8 European chromosomes by the Exome Aggregation Consortium (ExAC).

NM_000260.4(MYO7A):c.4254C>T (p.Pro1418=)

Gene: MYO7A (myosin VIIA; plus strand). Cytogenetic location: 11q13.5.
Variant type: single nucleotide variant.
Coding change: c.4254C>T on transcript NM_000260.4 (MANE Select); coding-DNA position 4254, C replaced by T.
Protein change: p.Pro1418=; no amino-acid change (proline 1418 retained).
Molecular consequence: synonymous variant.
Genome position (GRCh38, 1-based): chr11:77,194,455, C>T. VCF-style: chr11-77194455-C-T. GRCh37 (hg19) VCF-style: chr11-76905500-C-T.
Other names: c.4254C>T, p.Pro1418= (NM_001127180.2); c.4221C>T, p.Pro1407= (NM_001369365.1).
Identifiers: ClinVar variation 227685 (VCV000227685.16), dbSNP rs548434591, ClinGen allele CA6198384.